The following is an entry in ClinVar:

ClinVar aggregate classification (germline): Uncertain significance. Review status: criteria provided, multiple submitters, no conflicts (2 of 4 stars). 3 submissions from 3 submitters: Uncertain significance (3). Last evaluated 2026-04-14.

Conditions:
Nephronophthisis. Also called: Juvenile Nephronophthisis. Identifiers: Orphanet 655, MedGen C0687120, MONDO:0019005, HP:0000090.
Infantile nephronophthisis (NPHP2). Also called: Nephronophthisis 2; Nephronophthisis 2, infantile. Identifiers: MedGen C1865872, MONDO:0011190, OMIM 602088, Orphanet 655, Orphanet 93591.
INVS-related disorder. Also called: INVS-related condition.

Allele frequency attached by ClinVar (database versions not stated): ExAC 0.00002; gnomAD exomes 0.00002 and 0.00003; gnomAD 0.00005 and 0.00009; TOPMed 0.00014.
gnomAD v4.1: 45 of 1,613,332 alleles (0.0028%); highest among the groups gnomAD compares: Admixed American, 0.017%; no homozygotes.

Submissions (3):

PreventionGenetics, part of Exact Sciences
Classification: Uncertain significance for INVS-related condition. Last evaluated: 2026-04-14. Review status: criteria provided, single submitter. Criteria: ACMG Guidelines, 2015. Collection method: clinical testing. Allele origin: germline.
Comment: The INVS c.307C>T variant is predicted to result in the amino acid substitution p.Arg103Cys. This variant was reported as a variant of uncertain significance in an individual with retinal / optic nerve disease (Table S12, Diñeiro et al. 2020. PubMed ID: 32483926). This variant is reported in 0.0085% of alleles in individuals of Latino descent in gnomAD. At this time, the clinical significance of this variant is uncertain due to the absence of conclusive functional and genetic evidence.

Fulgent Genetics
Classification: Uncertain significance for Infantile nephronophthisis. Last evaluated: 2024-05-30. Review status: criteria provided, single submitter. Criteria: ACMG Guidelines, 2015. Collection method: clinical testing. Allele origin: germline.

Labcorp Genetics (formerly Invitae), Labcorp
Classification: Uncertain significance for Nephronophthisis. Last evaluated: 2022-08-16. Review status: criteria provided, single submitter. Criteria: Invitae Variant Classification Sherloc (09022015). Collection method: clinical testing. Allele origin: germline.
Comment: This sequence change replaces arginine, which is basic and polar, with cysteine, which is neutral and slightly polar, at codon 103 of the INVS protein (p.Arg103Cys). This variant is present in population databases (rs750863293, gnomAD 0.01%). This variant has not been reported in the literature in individuals affected with INVS-related conditions. ClinVar contains an entry for this variant (Variation ID: 968344). Algorithms developed to predict the effect of missense changes on protein structure and function (SIFT, PolyPhen-2, Align-GVGD) all suggest that this variant is likely to be disruptive. Algorithms developed to predict the effect of sequence changes on RNA splicing suggest that this variant may create or strengthen a splice site. In summary, the available evidence is currently insufficient to determine the role of this variant in disease. Therefore, it has been classified as a Variant of Uncertain Significance.

NM_014425.5(INVS):c.307C>T (p.Arg103Cys)

Gene: INVS (inversin; plus strand). Cytogenetic location: 9q31.1.
Variant type: single nucleotide variant.
Coding change: c.307C>T on transcript NM_014425.5 (MANE Select); coding-DNA position 307, C replaced by T.
Protein change: p.Arg103Cys; replaces arginine 103 with cysteine.
Molecular consequence: missense variant. On other transcripts: 5 prime UTR variant (1), non-coding transcript variant (1).
Genome position (GRCh38, 1-based): chr9:100,226,095, C>T. VCF-style: chr9-100226095-C-T. GRCh37 (hg19) VCF-style: chr9-102988377-C-T.
Other names: c.19C>T, p.Arg7Cys (NM_001318381.2); c.-683C>T (NM_001318382.2); c.307C>T (NM_014425.4); short protein forms R103C, R7C.
Identifiers: ClinVar variation 968344 (VCV000968344.7), dbSNP rs750863293, ClinGen allele CA5158138.